The following is an entry in ClinVar:

ClinVar aggregate classification (germline): Uncertain significance (1 of 4 stars; one submission).

Submission:

Biesecker Lab/Clinical Genomics Section, National Institutes of Health
Classification: Uncertain significance. Last evaluated: 2013-06-24. Review status: criteria provided, single submitter. Criteria: Ng et al. (Circ Cardiovasc Genet. 2013). Collection method: research. Allele origin: unknown. Observed: 1 variant allele. Study: ClinSeq.
Comment: The study set was not selected for affection status in relation to any cancer. Pathogenicity categories were based on literature curation. See Pubmed ID:23861362 for details.

Medical sequencing

NM_201596.3(CACNB2):c.1558C>G (p.Pro520Ala)

Gene: CACNB2 (calcium voltage-gated channel auxiliary subunit beta 2; plus strand). Cytogenetic location: 10p12.31.
Variant type: single nucleotide variant.
Coding change: c.1558C>G on transcript NM_201596.3 (MANE Select); coding-DNA position 1558, C replaced by G.
Protein change: p.Pro520Ala; replaces proline 520 with alanine.
Molecular consequence: missense variant.
Genome position (GRCh38, 1-based): chr10:18,539,299, C>G. VCF-style: chr10-18539299-C-G. GRCh37 (hg19) VCF-style: chr10-18828228-C-G.
Other names: c.1393C>G, p.Pro465Ala (NM_000724.4); c.1360C>G, p.Pro454Ala (NM_001167945.2); c.1279C>G, p.Pro427Ala (NM_001330060.2); c.1414C>G, p.Pro472Ala (NM_201570.3); c.1474C>G, p.Pro492Ala (NM_201571.4); c.1402C>G, p.Pro468Ala (NM_201572.4); c.1396C>G, p.Pro466Ala (NM_201590.3); c.1444C>G, p.Pro482Ala (NM_201593.3); and 1 more; short protein forms P466A, P520A, P454A, P465A, P482A, P496A, P468A, P472A.
Identifiers: ClinVar variation 191436 (VCV000191436.1), dbSNP rs200297403, ClinGen allele CA236659.